The following is an entry in ClinVar:

ClinVar aggregate classification (germline): Uncertain significance (1 of 4 stars; one submission).

Conditions:
Mitochondrial complex II deficiency, nuclear type 1. Also called: SUCCINATE CoQ REDUCTASE DEFICIENCY. Identifiers: Orphanet 3208, MedGen C5700310, MONDO:0100294, OMIM 252011.
Pheochromocytoma/paraganglioma syndrome 5. Also called: Paragangliomas 5; SDHA-Related Hereditary Paraganglioma-Pheochromocytoma Syndrome. Identifiers: Orphanet 29072, MedGen C3279992, MONDO:0013602, OMIM 614165.

Submission:

Labcorp Genetics (formerly Invitae), Labcorp
Classification: Uncertain significance for Pheochromocytoma/paraganglioma syndrome 5; Mitochondrial complex II deficiency, nuclear type 1. Last evaluated: 2017-12-13. Review status: criteria provided, single submitter. Criteria: Invitae Variant Classification Sherloc (09022015). Collection method: clinical testing. Allele origin: germline.
Comment: This sequence change results in a premature translational stop signal in the SDHA gene (p.Thr638Ilefs*7). While this is not anticipated to result in nonsense mediated decay, it is expected to disrupt the last 27 amino acids of the SDHA protein. This variant is not present in population databases (ExAC no frequency). This variant has not been reported in the literature in individuals with SDHA-related disease. In summary, the available evidence is currently insufficient to determine the role of this variant in disease. Therefore, it has been classified as a Variant of Uncertain Significance. Experimental studies and prediction algorithms are not available for this variant, and the functional significance of the disrupted amino acids is currently unknown.

NM_004168.4(SDHA):c.1913del (p.Thr638fs)

Gene: SDHA (succinate dehydrogenase complex flavoprotein subunit A; plus strand). Cytogenetic location: 5p15.33.
Variant type: Deletion.
Coding change: c.1913del on transcript NM_004168.4 (MANE Select); coding-DNA position 1913, one base deleted (C; older notation c.1913delC).
Protein change: p.Thr638fs; shifts the reading frame from threonine 638.
Molecular consequence: frameshift variant.
Genome position (GRCh38, 1-based): chr5:256,338, C deleted. VCF-style (leftmost placement, unchanged base first): chr5-256337-AC-A. GRCh37 (hg19) VCF-style: chr5-256452-AC-A.
Other names: c.1769del, p.Thr590fs (NM_001294332.2); c.1670del, p.Thr557fs (NM_001330758.2); short protein forms T638fs, T557fs, T590fs.
Identifiers: ClinVar variation 539645 (VCV000539645.9), dbSNP rs1554002857, ClinGen allele CA658796494.